The following is an entry in ClinVar:

ClinVar aggregate classification (germline): Pathogenic (1 of 4 stars; one submission).

Conditions:
Trimethylaminuria (TMAU). Also called: FISH-ODOR SYNDROME; Fish malodor syndrome; Stale fish syndrome; TMAuria; Primary Trimethylaminuria. Identifiers: MedGen C0342739, MONDO:0011182, OMIM 602079, HP:0003614. Disease mechanism: loss of function.

gnomAD v4.1: 8 of 1,613,914 alleles (0.0005%); highest among the groups gnomAD compares: East Asian, 0.018%; no homozygotes.

Submission:

Juno Genomics, Hangzhou Juno Genomics, Inc
Classification: Pathogenic for Trimethylaminuria. Review status: criteria provided, single submitter. Criteria: ACMG Guidelines, 2015. Collection method: clinical testing. Allele origin: germline.
Comment: Absent from controls (or at extremely low frequency if recessive) in Genome Aggregation Database.;Null variant in a gene where loss of function (LOF) is a known mechanism of disease.;For recessive disorders, detected in trans with a pathogenic variant.;Patient's phenotype or family history is highly specific for a disease with a single genetic etiology.;Co-segregation with disease in multiple affected family members.

NM_001002294.3(FMO3):c.122G>A (p.Trp41Ter)

Gene: FMO3 (flavin containing dimethylaniline monoxygenase 3; plus strand). Cytogenetic location: 1q24.3.
Variant type: single nucleotide variant.
Coding change: c.122G>A on transcript NM_001002294.3 (MANE Select); coding-DNA position 122, G replaced by A.
Protein change: p.Trp41Ter; replaces tryptophan 41 with a stop codon.
Molecular consequence: nonsense. On other transcripts: 5 prime UTR variant (1).
Genome position (GRCh38, 1-based): chr1:171,092,780, G>A. VCF-style: chr1-171092780-G-A. GRCh37 (hg19) VCF-style: chr1-171061921-G-A.
Other names: c.122G>A, p.Trp41Ter (NM_006894.6, NM_001319174.2); c.-66G>A (NM_001319173.2); short protein forms W41*.
Identifiers: ClinVar variation 5005258 (VCV005005258.2), dbSNP rs1236767299.
Genomic context (GRCh38, chr1:171,092,780, plus strand): 5'-GTCTGGAAGAGGGGCTGGAGCCCACCTGCTTTGAGAAGAGCAATGACATTGGGGGCCTGT[G>A]GAAATTTTCAGTGAGTAGCATGTTGTTGTAATAGACAGGAAAATAGGTTGGGAAGTGTAT-3'